The following is an entry in ClinVar:

ClinVar aggregate classification (germline): Uncertain significance (0 of 4 stars; one submission).

gnomAD v4.1: 3 of 1,613,948 alleles (0.00019%); highest among the groups gnomAD compares: South Asian, 0.0033%; no homozygotes.

Submission:

Department of Pathology and Laboratory Medicine, Sinai Health System
Classification: Uncertain significance. Review status: no assertion criteria provided. Collection method: clinical testing. Allele origin: unknown. Affected: yes. Study: The Canadian Open Genetics Repository (COGR).
Comment: The MACF1 p.Cys2982Tyr variant was not identified in the literature nor was it identified in ClinVar. The variant was identified in dbSNP (ID: rs764834184) and in control databases in 2 of 250566 chromosomes at a frequency of 0.000007982 (Genome Aggregation Database March 6, 2019, v2.1.1). The variant was observed in the South Asian population in 2 of 30602 chromosomes (freq: 0.000065), but was not observed in the African, Latino, Ashkenazi Jewish, East Asian, European (Finnish), European (non-Finnish), or Other populations. The p.Cys2982 residue is conserved in mammals and computational analyses (PolyPhen-2, SIFT, AlignGVGD, BLOSUM, MutationTaster) provide inconsistent predictions regarding the impact to the protein; this information is not very predictive of pathogenicity. The variant occurs outside of the splicing consensus sequence and in silico or computational prediction software programs (SpliceSiteFinder, MaxEntScan, NNSPLICE, GeneSplicer) do not predict a difference in splicing. In summary, based on the above information the clinical significance of this variant cannot be determined with certainty at this time. This variant is classified as a variant of uncertain significance.

NM_001394062.1(MACF1):c.15131G>A (p.Cys5044Tyr)

Gene: MACF1 (microtubule actin crosslinking factor 1; plus strand). Cytogenetic location: 1p34.3.
Variant type: single nucleotide variant.
Coding change: c.15131G>A on transcript NM_001394062.1 (MANE Select); coding-DNA position 15131, G replaced by A.
Protein change: p.Cys5044Tyr; replaces cysteine 5044 with tyrosine.
Molecular consequence: missense variant.
Genome position (GRCh38, 1-based): chr1:39,387,973, G>A. VCF-style: chr1-39387973-G-A. GRCh37 (hg19) VCF-style: chr1-39853645-G-A.
Other names: c.8945G>A, p.Cys2982Tyr (NM_012090.5); short protein forms C2982Y, C5044Y.
Identifiers: ClinVar variation 1050199 (VCV001050199.1), dbSNP rs764834184, ClinGen allele CA339743401.